The following is an entry in ClinVar:

ClinVar aggregate classification (germline): Uncertain significance (1 of 4 stars; one submission).

Submission:

GeneDx
Classification: Uncertain significance. Last evaluated: 2025-11-06. Review status: criteria provided, single submitter. Criteria: GeneDx Variant Classification Process June 2021. Collection method: clinical testing. Allele origin: germline.
Comment: Not observed at significant frequency in large population cohorts (gnomAD); In silico analysis supports that this missense variant has a deleterious effect on protein structure/function; Has not been previously published as pathogenic or benign germline variant to our knowledge; This variant is associated with the following publications: (PMID: 32898863)

NM_020988.3(GNAO1):c.986C>T (p.Thr329Met)

Gene: GNAO1 (G protein subunit alpha o1; plus strand). Cytogenetic location: 16q13.
Variant type: single nucleotide variant.
Coding change: c.986C>T on transcript NM_020988.3 (MANE Select); coding-DNA position 986, C replaced by T.
Protein change: p.Thr329Met; replaces threonine 329 with methionine.
Molecular consequence: missense variant.
Genome position (GRCh38, 1-based): chr16:56,354,974, C>T. VCF-style: chr16-56354974-C-T. GRCh37 (hg19) VCF-style: chr16-56388886-C-T.
Other names: short protein forms T329M.
Identifiers: ClinVar variation 2444689 (VCV002444689.2), dbSNP rs2543432069, ClinGen allele CA395955207.
Genomic context (GRCh38, chr16:56,354,974, plus strand): 5'-AAAGCAAAAACCGCTCACCCAACAAAGAAATATATTGTCACATGACTTGTGCCACAGACA[C>T]GAATAACATCCAGGTGGTGTTCGACGCCGTCACCGACATCATCATTGCCAACAACCTCCG-3'
Protein context (NP_066268.1, residues 319-339): IYCHMTCATD[Thr329Met]NNIQVVFDAV